The following is an entry in ClinVar:

NM_145239.3(PRRT2):c.67G>A (p.Glu23Lys)

Genes: MVP-DT (MVP divergent transcript; minus strand), PRRT2 (proline rich transmembrane protein 2; plus strand). Cytogenetic location: 16p11.2.
Variant type: single nucleotide variant.
Coding change: c.67G>A on transcript NM_145239.3 (MANE Select); coding-DNA position 67, G replaced by A.
Protein change: p.Glu23Lys; replaces glutamic acid 23 with lysine.
Molecular consequence: missense variant.
Genome position (GRCh38, 1-based): chr16:29,813,121, G>A. VCF-style: chr16-29813121-G-A. GRCh37 (hg19) VCF-style: chr16-29824442-G-A.
Other names: c.67G>A, p.Glu23Lys (NM_001256442.2, NM_001256443.2); c.67G>A (NM_001256442.1); short protein forms E23K.
Identifiers: ClinVar variation 130039 (VCV000130039.62), dbSNP rs140383655, ClinGen allele CA231418.
Genomic context (GRCh38, chr16:29,813,121, plus strand): 5'-GCCAGCAGCTCTGAGATCTCTGAGATGAAGGGGGTTGAGGAGAGTCCCAAGGTTCCAGGC[G>A]AAGGGCCTGGCCATTCTGAAGCTGAAACTGGCCCTCCCCAGGTCCTAGCAGGGGTACCAG-3'
Protein context (NP_660282.2, residues 13-33): GVEESPKVPG[Glu23Lys]GPGHSEAETG

ClinVar aggregate classification (germline): Conflicting classifications of pathogenicity. Review status: criteria provided, conflicting classifications (1 of 4 stars). 13 submissions from 13 submitters: Uncertain significance (1); Benign (3); Likely benign (5). 4 of the submissions do not count toward it. Last evaluated 2026-08-01.

Conditions:
PRRT2-Related Disorder. Also called: PRRT2-related disorders. Identifiers: MedGen CN381059.
Episodic kinesigenic dyskinesia (EKD). Also called: Paroxysmal kinesigenic dyskinesia. Identifiers: Orphanet 98809, MedGen C1868682, MONDO:0044202.
Inborn genetic diseases. Identifiers: MedGen C0950123, MeSH D030342.
Seizures, benign familial infantile, 2 (BFIS2). Also called: CONVULSIONS, BENIGN FAMILIAL INFANTILE, 2. Identifiers: Orphanet 306, MedGen C1853995, MONDO:0011593, OMIM 605751.
Infantile convulsions and choreoathetosis (ICCA). Also called: PRRT2-Related Paroxysmal Kinesigenic Dyskinesia with Infantile Convulsions (PKD/IC); PAROXYSMAL KINESIGENIC DYSKINESIA WITH INFANTILE CONVULSIONS. Identifiers: Orphanet 31709, MedGen C1865926, MONDO:0011178, OMIM 602066.
Episodic kinesigenic dyskinesia 1 (EKD1). Also called: PxMD-PRRT2; DYSTONIA, FAMILIAL PAROXYSMAL; PAROXYSMAL KINESIGENIC CHOREOATHETOSIS; Dystonia 10; PRRT2-Related Paroxysmal Kinesigenic Dyskinesia (PKD). Identifiers: Orphanet 98809, MedGen C4552000, MONDO:0100352, OMIM 128200, MONDO:0007494.

Allele frequency attached by ClinVar (database versions not stated): 1000 Genomes Project 30x 0.00031; 1000 Genomes Project 0.00040; ExAC 0.00091; gnomAD exomes 0.00108 and 0.00207; gnomAD 0.00110 and 0.00113; TOPMed 0.00124; ESP Exome Variant Server 0.00146.
gnomAD v4.1: 3,205 of 1,613,926 alleles (0.2%); highest among the groups gnomAD compares: Non-Finnish European, 0.25%; 7 homozygotes.

Submissions (13):

CeGaT Center for Human Genetics Tuebingen
Classification: Likely benign. Last evaluated: 2026-08-01. Review status: criteria provided, single submitter. Criteria: CeGaT Center For Human Genetics Tuebingen Variant Classification Criteria Version 2. Collection method: clinical testing. Allele origin: germline. Affected: yes. Observed: 22 variant alleles.
Comment: PRRT2: BP4, BS1

Labcorp Genetics (formerly Invitae), Labcorp
Classification: Likely benign for Episodic kinesigenic dyskinesia. Last evaluated: 2026-01-21. Review status: criteria provided, single submitter. Criteria: Invitae Variant Classification Sherloc (09022015). Collection method: clinical testing. Allele origin: germline.

Blueprint Genetics
Classification: Likely benign. Last evaluated: 2024-11-20. Review status: criteria provided, single submitter. Criteria: ACMG Guidelines, 2015. Collection method: clinical testing. Allele origin: germline.

Mayo Clinic Laboratories, Mayo Clinic
Classification: Benign. Last evaluated: 2023-07-10. Review status: criteria provided, single submitter. Criteria: ACMG Guidelines, 2015. Collection method: clinical testing. Allele origin: germline. Observed: 6 variant alleles.
Comment: BS1, BS2, BP4

GeneDx
Classification: Benign. Last evaluated: 2019-10-21. Review status: criteria provided, single submitter. Criteria: GeneDx Variant Classification Process June 2021. Collection method: clinical testing. Allele origin: germline. Affected: yes.
Comment: This variant is associated with the following publications: (PMID: 24594579, 26598494, 25167861, 11346027, 33126486)

Ambry Genetics
Classification: Likely benign for Inborn genetic diseases. Last evaluated: 2018-09-08. Review status: criteria provided, single submitter. Criteria: Ambry Variant Classification Scheme 2023. Collection method: clinical testing. Allele origin: germline.

Athena Diagnostics
Classification: Benign. Last evaluated: 2018-03-02. Review status: criteria provided, single submitter. Criteria: Athena Diagnostics Criteria. Collection method: clinical testing. Allele origin: germline.

Genetic Services Laboratory, University of Chicago
Classification: Uncertain significance. Last evaluated: 2014-01-15. Review status: criteria provided, single submitter. Criteria: ACMG Guidelines, 2007. Collection method: clinical testing. Allele origin: germline. Inheritance: Autosomal dominant inheritance.

Center for Genomics, Ann and Robert H. Lurie Children's Hospital of Chicago
Classification: Likely benign for Infantile convulsions and choreoathetosis; Seizures, benign familial infantile, 2; Episodic kinesigenic dyskinesia 1. Review status: criteria provided, single submitter. Criteria: ACMG Guidelines, 2015. Collection method: clinical testing. Allele origin: germline.
Comment: PRRT2 NM_145239.2 exon 2 p.Glu23Lys (c.67G>A): This variant has not been reported in the literature but is present in 0.1% (132/68016) of European alleles including 1 homozygote in the Genome Aggregation Database. This variant is present in ClinVar, with several labs classifying this variant as Likely Benign or Benign (Variation ID:130039). This variant amino acid Lysine (Lys) is present in several species and is not well conserved among evolutionarily distant species; this suggests that this variant may not impact the protein. Additional computational prediction tools do not suggest an impact. In summary, data on this variant suggests that this variant does not cause disease, but requires further evidence. Therefore this variant is classified as likely benign.

PreventionGenetics, part of Exact Sciences
Classification: Likely benign for PRRT2-related condition. Last evaluated: 2021-02-25. Review status: no assertion criteria provided. Collection method: clinical testing. Allele origin: germline. Not counted in ClinVar's aggregate classification.
Comment: This variant is classified as likely benign based on ACMG/AMP sequence variant interpretation guidelines (Richards et al. 2015 PMID: 25741868, with internal and published modifications).

Clinical Genetics DNA and cytogenetics Diagnostics Lab, Erasmus MC, Erasmus Medical Center
Classification: Likely benign. Review status: no assertion criteria provided. Collection method: clinical testing. Allele origin: germline. Affected: yes. Study: VKGL Data-share Consensus. Not counted in ClinVar's aggregate classification.

Diagnostic Laboratory, Department of Genetics, University Medical Center Groningen
Classification: Likely benign. Review status: no assertion criteria provided. Collection method: clinical testing. Allele origin: germline. Affected: yes. Study: VKGL Data-share Consensus. Not counted in ClinVar's aggregate classification.

Genome Diagnostics Laboratory, University Medical Center Utrecht
Classification: Likely benign. Review status: no assertion criteria provided. Collection method: clinical testing. Allele origin: germline. Affected: yes. Study: VKGL Data-share Consensus. Not counted in ClinVar's aggregate classification.

Literature cited by the submitters: PubMed 24594579 (cited by Ambry Genetics and Athena Diagnostics); PubMed 26598494 (cited by Athena Diagnostics); PubMed 11346027 (cited by Athena Diagnostics); PubMed 25167861 (cited by Athena Diagnostics).